The following is an entry in ClinVar:

ClinVar aggregate classification (germline): Pathogenic. Review status: reviewed by expert panel (3 of 4 stars). 9 submissions from 9 submitters: Pathogenic (1). 8 of the submissions do not count toward it. Last evaluated 2016-09-08.

Conditions:
Breast-ovarian cancer, familial, susceptibility to, 1 (BROVCA1). Also called: BRCA1 Hereditary Breast and Ovarian Cancer; OVARIAN CANCER, SUSCEPTIBILITY TO. Identifiers: Orphanet 145, MedGen C2676676, MONDO:0011450, OMIM 604370. Disease mechanism: loss of function.
Hereditary cancer-predisposing syndrome. Also called: Hereditary Cancer Syndrome; Hereditary neoplastic syndrome; Neoplastic Syndromes, Hereditary; Tumor predisposition. Identifiers: Orphanet 140162, MedGen C0027672, MeSH D009386, MONDO:0015356.
Hereditary breast ovarian cancer syndrome. Also called: BRCA1- and BRCA2-Associated Hereditary Breast and Ovarian Cancer; Hereditary breast and ovarian cancer syndrome; Hereditary breast and ovarian cancer syndrome (HBOC); Breast and ovarian cancer; Hereditary breast and/or ovarian cancer syndrome; Hereditary breast and ovarian cancer. Identifiers: Orphanet 145, MedGen C0677776, MeSH D061325, MONDO:0003582. Disease mechanism: loss of function.

Submissions (9):

Evidence-based Network for the Interpretation of Germline Mutant Alleles (ENIGMA)
Classification: Pathogenic for Breast-ovarian cancer, familial, susceptibility to, 1. Last evaluated: 2016-09-08. Review status: reviewed by expert panel. Criteria: ENIGMA BRCA1/2 Classification Criteria (2015). Collection method: curation. Allele origin: germline.
Comment: Variant allele predicted to encode a truncated non-functional protein.

Color Diagnostics, LLC DBA Color Health
Classification: Pathogenic for Hereditary cancer-predisposing syndrome. Last evaluated: 2024-01-08. Review status: criteria provided, single submitter. Criteria: ACMG Guidelines, 2015. Collection method: clinical testing. Allele origin: germline. Not counted in ClinVar's aggregate classification.
Comment: This variant changes 1 nucleotide in exon 10 of the BRCA1 gene, creating a premature translation stop signal. This variant is expected to result in an absent or non-functional protein product. This variant has been reported in a suspected hereditary breast and ovarian cancer family (PMID: 16287141, 29446198). This variant has not been identified in the general population by the Genome Aggregation Database (gnomAD). Loss of BRCA1 function is a known mechanism of disease. Based on the available evidence, this variant is classified as Pathogenic.

Baylor Genetics
Classification: Pathogenic for Breast-ovarian cancer, familial, susceptibility to, 1. Last evaluated: 2023-06-08. Review status: criteria provided, single submitter. Criteria: ACMG Guidelines, 2015. Collection method: clinical testing. Allele origin: unknown. Not counted in ClinVar's aggregate classification.

GeneDx
Classification: Pathogenic. Last evaluated: 2023-02-27. Review status: criteria provided, single submitter. Criteria: GeneDx Variant Classification Process June 2021. Collection method: clinical testing. Allele origin: germline. Affected: yes. Not counted in ClinVar's aggregate classification.
Comment: Nonsense variant predicted to result in protein truncation or nonsense mediated decay in a gene for which loss of function is a known mechanism of disease; Observed in individuals with a personal or family history consistent with pathogenic variants in this gene (Kroiss et al., 2005); Not observed at significant frequency in large population cohorts (gnomAD); Truncating variants in this gene are considered pathogenic by a well-established clinical consortium and/or database; Also known as 4194C>T; This variant is associated with the following publications: (PMID: 25525159, 29446198, 16287141, 28569743, 31911673, 29884841, 21533266, 34680387, 27397505, 24326041, 32377563)

Labcorp Genetics (formerly Invitae), Labcorp
Classification: Pathogenic for Hereditary breast ovarian cancer syndrome. Last evaluated: 2022-11-15. Review status: criteria provided, single submitter. Criteria: Invitae Variant Classification Sherloc (09022015). Collection method: clinical testing. Allele origin: germline. Not counted in ClinVar's aggregate classification.
Comment: For these reasons, this variant has been classified as Pathogenic. ClinVar contains an entry for this variant (Variation ID: 55098). This premature translational stop signal has been observed in individual(s) with a personal and/or family history of breast and/or ovarian cancer (PMID: 16287141). This variant is not present in population databases (gnomAD no frequency). This sequence change creates a premature translational stop signal (p.Gln1359*) in the BRCA1 gene. It is expected to result in an absent or disrupted protein product. Loss-of-function variants in BRCA1 are known to be pathogenic (PMID: 20104584).

Ambry Genetics
Classification: Pathogenic for Hereditary cancer-predisposing syndrome. Last evaluated: 2022-06-23. Review status: criteria provided, single submitter. Criteria: Ambry Variant Classification Scheme 2023. Collection method: clinical testing. Allele origin: germline. Not counted in ClinVar's aggregate classification.
Comment: The p.Q1359* pathogenic mutation (also known as c.4075C>T), located in coding exon 9 of the BRCA1 gene, results from a C to T substitution at nucleotide position 4075. This changes the amino acid from a glutamine to a stop codon within coding exon 9. This alteration was identified in a large, worldwide study of BRCA1/2 mutation positive families (Rebbeck TR et al. Hum Mutat, 2018 05;39:593-620). This variant is considered to be rare based on population cohorts in the Genome Aggregation Database (gnomAD). In addition to the clinical data presented in the literature, this alteration is expected to result in loss of function by premature protein truncation or nonsense-mediated mRNA decay. As such, this alteration is interpreted as a disease-causing mutation.

Consortium of Investigators of Modifiers of BRCA1/2 (CIMBA), c/o University of Cambridge
Classification: Pathogenic for Breast-ovarian cancer, familial, susceptibility to, 1. Last evaluated: 2015-10-02. Review status: criteria provided, single submitter. Criteria: CIMBA Mutation Classification guidelines May 2016. Collection method: clinical testing. Allele origin: germline. Not counted in ClinVar's aggregate classification.

BRCAlab, Lund University
Classification: Pathogenic for Breast-ovarian cancer, familial, susceptibility to, 1. Last evaluated: 2020-03-02. Review status: no assertion criteria provided. Collection method: clinical testing. Allele origin: germline. Affected: yes. Not counted in ClinVar's aggregate classification.

Breast Cancer Information Core (BIC) (BRCA1)
Classification: Pathogenic for Breast-ovarian cancer, familial 1. Last evaluated: 2002-05-29. Review status: no assertion criteria provided. Collection method: clinical testing. Allele origin: germline. Affected: yes. Observed: 1 variant allele. Not counted in ClinVar's aggregate classification.

Literature cited by the submitters: PubMed 16287141 (cited by Color Diagnostics, LLC DBA Color Health and Labcorp Genetics (formerly Invitae), Labcorp); PubMed 29446198 (cited by Color Diagnostics, LLC DBA Color Health and Ambry Genetics); PubMed 20104584 (cited by Labcorp Genetics (formerly Invitae), Labcorp).

NM_007294.4(BRCA1):c.4075C>T (p.Gln1359Ter)

Genes: BRCA1 (BRCA1 DNA repair associated; minus strand), LOC126862571 (BRD4-independent group 4 enhancer GRCh37_chr17:41243136-41244335; plus strand). Cytogenetic location: 17q21.31.
Variant type: single nucleotide variant.
Coding change: c.4075C>T on transcript NM_007294.4 (MANE Select); coding-DNA position 4075, C replaced by T.
Protein change: p.Gln1359Ter; replaces glutamine 1359 with a stop codon.
Molecular consequence: nonsense. On other transcripts: intron variant (135).
Genome position (GRCh38, 1-based): chr17:43,091,456, G>A on the plus strand (C>T on the coding strand, the complement: BRCA1 is on the minus strand). VCF-style: chr17-43091456-G-A. GRCh37 (hg19) VCF-style: chr17-41243473-G-A.
Other names: c.3862C>T, p.Gln1288Ter (NM_001407571.1, NM_001407853.1, NM_001407894.1 and 9 more transcripts); c.4075C>T, p.Gln1359Ter (NM_001407581.1, NM_001407582.1, NM_001407602.1 and 30 more transcripts); c.4072C>T, p.Gln1358Ter (NM_001407610.1, NM_001407611.1, NM_001407612.1 and 22 more transcripts); c.4066C>T, p.Gln1356Ter (NM_001407646.1, NM_001407647.1); c.3952C>T, p.Gln1318Ter (NM_001407648.1, NM_001407664.1, NM_001407665.1 and 19 more transcripts); c.3949C>T, p.Gln1317Ter (NM_001407649.1, NM_001407670.1, NM_001407671.1 and 11 more transcripts); c.3997C>T, p.Gln1333Ter (NM_001407653.1, NM_001407654.1, NM_001407655.1 and 4 more transcripts); c.3994C>T, p.Gln1332Ter (NM_001407659.1, NM_001407660.1, NM_001407661.1 and 1 more transcripts); and 41 more; short protein forms Q1359*, Q1312*, Q1191*, Q1247*, Q1270*, Q1332*, Q1333*, Q1063*.
Identifiers: ClinVar variation 55098 (VCV000055098.18), dbSNP rs80357456, ClinGen allele CA002606.